The following is an entry in ClinVar:

NM_001371986.1(UNC80):c.2743A>G (p.Thr915Ala)

Gene: UNC80 (unc-80 subunit of NALCN channel complex; plus strand). Cytogenetic location: 2q34.
Variant type: single nucleotide variant.
Coding change: c.2743A>G on transcript NM_001371986.1 (MANE Select); coding-DNA position 2743, A replaced by G.
Protein change: p.Thr915Ala; replaces threonine 915 with alanine.
Molecular consequence: missense variant.
Genome position (GRCh38, 1-based): chr2:209,831,559, A>G. VCF-style: chr2-209831559-A-G. GRCh37 (hg19) VCF-style: chr2-210696283-A-G.
Other names: c.2743A>G, p.Thr915Ala (NM_032504.2); c.2728A>G, p.Thr910Ala (NM_182587.4); short protein forms T910A, T915A.
Identifiers: ClinVar variation 1967887 (VCV001967887.5), dbSNP rs569624062, ClinGen allele CA2083046.

ClinVar aggregate classification (germline): Uncertain significance (1 of 4 stars; one submission).

Allele frequency attached by ClinVar (database versions not stated): gnomAD 0.00001; TOPMed 0.00001; 1000 Genomes Project 30x 0.00031; gnomAD exomes below 0.00001; 1000 Genomes Project 0.00020; ExAC 0.00005.
gnomAD v4.1: 5 of 1,549,926 alleles (0.00032%); highest among the groups gnomAD compares: Admixed American, 0.0039%; no homozygotes.

Submission:

Labcorp Genetics (formerly Invitae), Labcorp
Classification: Uncertain significance. Last evaluated: 2026-01-19. Review status: criteria provided, single submitter. Criteria: Invitae Variant Classification Sherloc (09022015). Collection method: clinical testing. Allele origin: germline.
Comment: This sequence change replaces threonine, which is neutral and polar, with alanine, which is neutral and non-polar, at codon 915 of the UNC80 protein (p.Thr915Ala). This variant is present in population databases (rs569624062, gnomAD 0.01%). This variant has not been reported in the literature in individuals affected with UNC80-related conditions. ClinVar contains an entry for this variant (Variation ID: 1967887). An algorithm developed to predict the effect of missense changes on protein structure and function (PolyPhen-2) suggests that this variant is likely to be disruptive. In summary, the available evidence is currently insufficient to determine the role of this variant in disease. Therefore, it has been classified as a Variant of Uncertain Significance.